The following is an entry in ClinVar:

NM_001297595.2(SIN3B):c.771C>A (p.Asn257Lys)

Gene: SIN3B (SIN3 transcription regulator family member B; plus strand). Cytogenetic location: 19p13.11.
Variant type: single nucleotide variant.
Coding change: c.771C>A on transcript NM_001297595.2 (MANE Select); coding-DNA position 771, C replaced by A.
Protein change: p.Asn257Lys; replaces asparagine 257 with lysine.
Molecular consequence: missense variant.
Genome position (GRCh38, 1-based): chr19:16,851,456, C>A. VCF-style: chr19-16851456-C-A. GRCh37 (hg19) VCF-style: chr19-16962267-C-A.
Other names: c.771C>A, p.Asn257Lys (NM_015260.4); short protein forms N257K.
Identifiers: ClinVar variation 2827167 (VCV002827167.3), dbSNP rs552051465, ClinGen allele CA404637923.

ClinVar aggregate classification (germline): Uncertain significance (1 of 4 stars; one submission).

Submission:

Labcorp Genetics (formerly Invitae), Labcorp
Classification: Uncertain significance. Last evaluated: 2023-01-10. Review status: criteria provided, single submitter. Criteria: Invitae Variant Classification Sherloc (09022015). Collection method: clinical testing. Allele origin: germline.
Comment: Advanced modeling of protein sequence and biophysical properties (such as structural, functional, and spatial information, amino acid conservation, physicochemical variation, residue mobility, and thermodynamic stability) performed at Invitae indicates that this missense variant is not expected to disrupt SIN3B protein function. This variant has not been reported in the literature in individuals affected with SIN3B-related conditions. This variant is not present in population databases (gnomAD no frequency). This sequence change replaces asparagine, which is neutral and polar, with lysine, which is basic and polar, at codon 257 of the SIN3B protein (p.Asn257Lys). In summary, the available evidence is currently insufficient to determine the role of this variant in disease. Therefore, it has been classified as a Variant of Uncertain Significance.